The following is an entry in ClinVar:

NM_005422.4(TECTA):c.2358G>A (p.Ser786=)

Genes: TBCEL-TECTA (TBCEL-TECTA readthrough; plus strand), TECTA (tectorin alpha; plus strand). Cytogenetic location: 11q23.3.
Variant type: single nucleotide variant.
Coding change: c.2358G>A on transcript NM_005422.4 (MANE Select); coding-DNA position 2358, G replaced by A.
Protein change: p.Ser786=; no amino-acid change (serine 786 retained).
Molecular consequence: synonymous variant.
Genome position (GRCh38, 1-based): chr11:121,128,335, G>A. VCF-style: chr11-121128335-G-A. GRCh37 (hg19) VCF-style: chr11-120999044-G-A.
Other names: c.3315G>A, p.Ser1105= (NM_001378761.1).
Identifiers: ClinVar variation 227993 (VCV000227993.6), dbSNP rs145498566, ClinGen allele CA6326964.

ClinVar aggregate classification (germline): Likely benign. Review status: criteria provided, multiple submitters, no conflicts (2 of 4 stars). 2 submissions from 2 submitters: Likely benign (2). Last evaluated 2025-12-10.

Conditions:
TECTA-related disorder. Also called: TECTA-related condition.

Allele frequency attached by ClinVar (database versions not stated): TOPMed 0.00003; gnomAD 0.00004 and 0.00009; gnomAD exomes 0.00008 and 0.00017; ExAC 0.00011; 1000 Genomes Project 30x 0.00062; 1000 Genomes Project 0.00080.
gnomAD v4.1: 255 of 1,599,554 alleles (0.016%); highest among the groups gnomAD compares: East Asian, 0.52%; 5 homozygotes.

Submissions (2):

PreventionGenetics, part of Exact Sciences
Classification: Likely benign for TECTA-related condition. Last evaluated: 2025-12-10. Review status: criteria provided, single submitter. Criteria: ACMG Guidelines, 2015. Collection method: clinical testing. Allele origin: germline.
Comment: This variant is classified as likely benign based on ACMG/AMP sequence variant interpretation guidelines (Richards et al. 2015 PMID: 25741868, with internal and published modifications).

Laboratory for Molecular Medicine, Mass General Brigham Personalized Medicine
Classification: Likely benign. Last evaluated: 2015-02-25. Review status: criteria provided, single submitter. Criteria: LMM Criteria. Collection method: clinical testing. Allele origin: germline. Observed: 1 variant allele.
Comment: p.Ser786Ser in exon 8 of TECTA: This variant is not expected to have clinical si gnificance because it does not alter an amino acid residue and is not located wi thin the splice consensus sequence. It has been identified in 0.2% (12/7974) of East Asian individuals by the Exome Aggregation Consortium (ExAC; dbSNP rs145498566).